The following is an entry in ClinVar:

NM_032737.4(LMNB2):c.1091G>A (p.Arg364Gln)

Gene: LMNB2 (lamin B2; minus strand). Cytogenetic location: 19p13.3.
Variant type: single nucleotide variant.
Coding change: c.1091G>A on transcript NM_032737.4 (MANE Select); coding-DNA position 1091, G replaced by A.
Protein change: p.Arg364Gln; replaces arginine 364 with glutamine.
Molecular consequence: missense variant.
Genome position (GRCh38, 1-based): chr19:2,434,406, C>T on the plus strand (G>A on the coding strand, the complement: LMNB2 is on the minus strand). VCF-style: chr19-2434406-C-T. GRCh37 (hg19) VCF-style: chr19-2434404-C-T.
Other names: short protein forms R364Q.
Identifiers: ClinVar variation 542430 (VCV000542430.8), dbSNP rs767615829, ClinGen allele CA9067607.
Genomic context (GRCh38, chr19:2,434,406, plus strand): 5'-AGGGCCAGCTTCACGTCCAGCAGCTCCTGGTACTCGGCCAGCTGCTGCTGCATCACGTCC[C>T]GCATCTCCGTCATCTCCTGCTCCTTGGCGTCCAGCATCTTCCGGAACTTGTCCCGCTCCC-3'
Protein context (NP_116126.3, residues 354-374): DAKEQEMTEM[Arg364Gln]DVMQQQLAEY

ClinVar aggregate classification (germline): Uncertain significance (1 of 4 stars; one submission).

Conditions:
Lipodystrophy, partial, acquired, susceptibility to (APLD). Also called: APLD, SUSCEPTIBILITY TO. Identifiers: MedGen C3887501, MONDO:0100476, OMIM 608709.
Progressive myoclonic epilepsy type 9. Identifiers: Orphanet 457265, MedGen C4225289, MONDO:0014685, OMIM 616540.

Allele frequency attached by ClinVar (database versions not stated): gnomAD exomes 0.00001; TOPMed 0.00001; ExAC 0.00002.
gnomAD v4.1: 23 of 1,613,458 alleles (0.0014%); highest among the groups gnomAD compares: Non-Finnish European, 0.0017%; no homozygotes.

Submission:

Labcorp Genetics (formerly Invitae), Labcorp
Classification: Uncertain significance for Progressive myoclonic epilepsy type 9; Lipodystrophy, partial, acquired, susceptibility to. Last evaluated: 2024-09-05. Review status: criteria provided, single submitter. Criteria: Invitae Variant Classification Sherloc (09022015). Collection method: clinical testing. Allele origin: germline.
Comment: This sequence change replaces arginine, which is basic and polar, with glutamine, which is neutral and polar, at codon 364 of the LMNB2 protein (p.Arg364Gln). This variant is present in population databases (rs767615829, gnomAD 0.003%). This variant has not been reported in the literature in individuals affected with LMNB2-related conditions. ClinVar contains an entry for this variant (Variation ID: 542430). Invitae Evidence Modeling of protein sequence and biophysical properties (such as structural, functional, and spatial information, amino acid conservation, physicochemical variation, residue mobility, and thermodynamic stability) indicates that this missense variant is not expected to disrupt LMNB2 protein function with a negative predictive value of 80%. In summary, the available evidence is currently insufficient to determine the role of this variant in disease. Therefore, it has been classified as a Variant of Uncertain Significance.